The following is an entry in ClinVar:

ClinVar aggregate classification (germline): Likely benign (1 of 4 stars; one submission).

Allele frequency attached by ClinVar (database versions not stated): gnomAD 0.00007; ESP Exome Variant Server 0.00008; gnomAD exomes 0.00012; ExAC 0.00002; TOPMed 0.00005.

Submission:

CeGaT Center for Human Genetics Tuebingen
Classification: Likely benign. Last evaluated: 2023-12-01. Review status: criteria provided, single submitter. Criteria: CeGaT Center For Human Genetics Tuebingen Variant Classification Criteria Version 2. Collection method: clinical testing. Allele origin: germline. Affected: yes. Observed: 1 variant allele.
Comment: HTT: BP4

NM_001388492.1(HTT):c.3918G>A (p.Met1306Ile)

Gene: HTT (huntingtin; plus strand). Cytogenetic location: 4p16.3.
Variant type: single nucleotide variant.
Coding change: c.3918G>A on transcript NM_001388492.1 (MANE Select); coding-DNA position 3918, G replaced by A.
Protein change: p.Met1306Ile; replaces methionine 1306 with isoleucine.
Molecular consequence: missense variant.
Genome position (GRCh38, 1-based): chr4:3,172,373, G>A. VCF-style: chr4-3172373-G-A. GRCh37 (hg19) VCF-style: chr4-3174100-G-A.
Other names: c.3924G>A, p.Met1308Ile (NM_002111.8); short protein forms M1306I, M1308I.
Identifiers: ClinVar variation 3025275 (VCV003025275.22), dbSNP rs374335589, ClinGen allele CA2824261.